The following is an entry in ClinVar:

NM_014946.4(SPAST):c.165C>G (p.Tyr55Ter)

Gene: SPAST (spastin; plus strand). Cytogenetic location: 2p22.3.
Variant type: single nucleotide variant.
Coding change: c.165C>G on transcript NM_014946.4 (MANE Select); coding-DNA position 165, C replaced by G.
Protein change: p.Tyr55Ter; replaces tyrosine 55 with a stop codon.
Molecular consequence: nonsense.
Genome position (GRCh38, 1-based): chr2:32,063,996, C>G. VCF-style: chr2-32063996-C-G. GRCh37 (hg19) VCF-style: chr2-32289065-C-G.
Other names: c.165C>G, p.Tyr55Ter (NM_001363823.2, NM_001363875.2, NM_001377959.1 and 1 more transcripts); short protein forms Y55*.
Identifiers: ClinVar variation 2684014 (VCV002684014.1), dbSNP rs368951498, ClinGen allele CA346601541.
Genomic context (GRCh38, chr2:32,063,996, plus strand): 5'-CGCCGGGCCGGCCCCTCCGCCCGAGTCGCCGCATAAGCGGAACCTGTACTATTTCTCCTA[C>G]CCGCTGTTTGTAGGCTTCGCGCTGCTGCGTTTGGTCGCCTTCCACCTGGGGCTCCTCTTC-3'

ClinVar aggregate classification (germline): Pathogenic (1 of 4 stars; one submission).

Submission:

Athena Diagnostics
Classification: Pathogenic. Last evaluated: 2023-05-02. Review status: criteria provided, single submitter. Criteria: Athena Diagnostics Criteria. Collection method: clinical testing. Allele origin: unknown.
Comment: This variant is expected to result in the loss of a functional protein. This variant has been identified in at least one individual with clinical features associated with this gene. This variant has not been reported in large, multi-ethnic general populations.